The following is an entry in ClinVar:

NM_000530.8(MPZ):c.547T>C (p.Trp183Arg)

Gene: MPZ (myelin protein zero; minus strand). Cytogenetic location: 1q23.3.
Variant type: single nucleotide variant.
Coding change: c.547T>C on transcript NM_000530.8 (MANE Select); coding-DNA position 547, T replaced by C.
Protein change: p.Trp183Arg; replaces tryptophan 183 with arginine.
Molecular consequence: missense variant.
Genome position (GRCh38, 1-based): chr1:161,306,366, A>G on the plus strand (T>C on the coding strand, the complement: MPZ is on the minus strand). VCF-style: chr1-161306366-A-G. GRCh37 (hg19) VCF-style: chr1-161276156-A-G.
Other names: c.547T>C (LRG_256t1); c.547T>C, p.Trp183Arg (NM_001315491.2); short protein forms W183R.
Identifiers: ClinVar variation 581905 (VCV000581905.15), dbSNP rs753107323, ClinGen allele CA1210136.
Genomic context (GRCh38, chr1:161,306,366, plus strand): 5'-GGGAGCTAGGCTCCGCCCCTTACCTGAGCCTCCTCTGCAGGGCCGCCTGCCTGCGTAGCC[A>G]GCAGTACCGAACCACGTAGAAAAGCAGCAGCAGCAACAGCACCACCCCGAGGACACCCCC-3'
Protein context (NP_000521.2, residues 173-193): LLLFYVVRYC[Trp183Arg]LRRQAALQRR

ClinVar aggregate classification (germline): Uncertain significance. Review status: criteria provided, multiple submitters, no conflicts (2 of 4 stars). 4 submissions from 4 submitters: Uncertain significance (4). Last evaluated 2025-12-22.

Conditions:
Charcot-Marie-Tooth disease. Also called: Charcot-Marie-Tooth Neuropathy; Charcot-Marie-Tooth Hereditary Neuropathy. Identifiers: Orphanet 166, MedGen C0007959, MONDO:0015626.
Inborn genetic diseases. Identifiers: MedGen C0950123, MeSH D030342.
Charcot-Marie-Tooth disease, type I (CMT1). Also called: Charcot-Marie-Tooth, Type 1; Charcot-Marie-Tooth disease type 1. Identifiers: Orphanet 65753, MedGen C0751036, MONDO:0019011.

Allele frequency attached by ClinVar (database versions not stated): ExAC 0.00001; gnomAD 0.00001 and 0.00002; gnomAD exomes 0.00001; TOPMed 0.00001.
gnomAD v4.1: 43 of 1,614,074 alleles (0.0027%); highest among the groups gnomAD compares: Non-Finnish European, 0.0035%; no homozygotes.

Submissions (4):

Labcorp Genetics (formerly Invitae), Labcorp
Classification: Uncertain significance for Charcot-Marie-Tooth disease, type I. Last evaluated: 2025-12-22. Review status: criteria provided, single submitter. Criteria: Invitae Variant Classification Sherloc (09022015). Collection method: clinical testing. Allele origin: germline.
Comment: This sequence change replaces tryptophan, which is neutral and slightly polar, with arginine, which is basic and polar, at codon 183 of the MPZ protein (p.Trp183Arg). This variant is present in population databases (rs753107323, gnomAD 0.003%). This missense change has been observed in individual(s) with clinical features of Charcot-Marie-Tooth disease (PMID: 32376792). ClinVar contains an entry for this variant (Variation ID: 581905). Invitae Evidence Modeling of protein sequence and biophysical properties (such as structural, functional, and spatial information, amino acid conservation, physicochemical variation, residue mobility, and thermodynamic stability) indicates that this missense variant is not expected to disrupt MPZ protein function with a negative predictive value of 80%. In summary, the available evidence is currently insufficient to determine the role of this variant in disease. Therefore, it has been classified as a Variant of Uncertain Significance.

Ambry Genetics
Classification: Uncertain significance for Inborn genetic diseases. Last evaluated: 2022-08-24. Review status: criteria provided, single submitter. Criteria: Ambry Variant Classification Scheme 2023. Collection method: clinical testing. Allele origin: germline.
Comment: The p.W183R variant (also known as c.547T>C), located in coding exon 4 of the MPZ gene, results from a T to C substitution at nucleotide position 547. The tryptophan at codon 183 is replaced by arginine, an amino acid with dissimilar properties. This variant was identified in one allele in a Charcot-Marie Tooth cohort (Volodarsky M et al. J Med Genet, 2021 04;58:284-288). This amino acid position is highly conserved in available vertebrate species. In addition, the in silico prediction for this alteration is inconclusive. Since supporting evidence is limited at this time, the clinical significance of this alteration remains unclear.

Mayo Clinic Laboratories, Mayo Clinic
Classification: Uncertain significance. Last evaluated: 2021-02-25. Review status: criteria provided, single submitter. Criteria: ACMG Guidelines, 2015. Collection method: clinical testing. Allele origin: germline. Observed: 1 variant allele.

Molecular Genetics Laboratory, London Health Sciences Centre
Classification: Uncertain significance for Charcot-Marie-Tooth disease. Review status: criteria provided, single submitter. Criteria: ACMG Guidelines, 2015. Collection method: clinical testing. Allele origin: germline. Affected: yes.

Literature cited by the submitters: PubMed 32376792 (cited by Labcorp Genetics (formerly Invitae), Labcorp and Ambry Genetics).